The following is an entry in ClinVar:

NM_003238.6(TGFB2):c.1145C>G (p.Ser382Cys)

Gene: TGFB2 (transforming growth factor beta 2; plus strand). Cytogenetic location: 1q41.
Variant type: single nucleotide variant.
Coding change: c.1145C>G on transcript NM_003238.6 (MANE Select); coding-DNA position 1145, C replaced by G.
Protein change: p.Ser382Cys; replaces serine 382 with cysteine.
Molecular consequence: missense variant. On other transcripts: non-coding transcript variant (2).
Genome position (GRCh38, 1-based): chr1:218,441,262, C>G. VCF-style: chr1-218441262-C-G. GRCh37 (hg19) VCF-style: chr1-218614604-C-G.
Other names: c.1229C>G, p.Ser410Cys (NM_001135599.4); short protein forms S382C, S410C.
Identifiers: ClinVar variation 4085567 (VCV004085567.8).

ClinVar aggregate classification (germline): Uncertain significance (1 of 4 stars; one submission).

Submission:

CeGaT Center for Human Genetics Tuebingen
Classification: Uncertain significance. Last evaluated: 2025-07-01. Review status: criteria provided, single submitter. Criteria: CeGaT Center For Human Genetics Tuebingen Variant Classification Criteria Version 2. Collection method: clinical testing. Allele origin: germline. Affected: yes. Observed: 1 variant allele.
Comment: TGFB2: PM2